The following is an entry in ClinVar:

ClinVar aggregate classification (germline): Conflicting classifications of pathogenicity. Review status: criteria provided, conflicting classifications (1 of 4 stars). 3 submissions from 3 submitters: Uncertain significance (2); Likely benign (1). Last evaluated 2026-01-29.

Conditions:
Trichohepatoenteric syndrome 2 (THES2). Identifiers: Orphanet 84064, MedGen C3281289, MONDO:0013818, OMIM 614602.
Inborn genetic diseases. Identifiers: MedGen C0950123, MeSH D030342.

Allele frequency attached by ClinVar (database versions not stated): gnomAD exomes 0.00016 and 0.00023; ExAC 0.00031; gnomAD 0.00048 and 0.00050; TOPMed 0.00055; ESP Exome Variant Server 0.00107; 1000 Genomes Project 0.00120; 1000 Genomes Project 30x 0.00125.
gnomAD v4.1: 325 of 1,612,982 alleles (0.02%); highest among the groups gnomAD compares: African/African-American, 0.16%; no homozygotes.

Submissions (3):

Labcorp Genetics (formerly Invitae), Labcorp
Classification: Uncertain significance. Last evaluated: 2026-01-29. Review status: criteria provided, single submitter. Criteria: Invitae Variant Classification Sherloc (09022015). Collection method: clinical testing. Allele origin: germline.
Comment: This sequence change replaces methionine, which is neutral and non-polar, with isoleucine, which is neutral and non-polar, at codon 1084 of the SKIV2L protein (p.Met1084Ile). This variant is present in population databases (rs58092713, gnomAD 0.2%). This variant has not been reported in the literature in individuals affected with SKIV2L-related conditions. ClinVar contains an entry for this variant (Variation ID: 1000909). An algorithm developed to predict the effect of missense changes on protein structure and function (PolyPhen-2) suggests that this variant is likely to be tolerated. In summary, the available evidence is currently insufficient to determine the role of this variant in disease. Therefore, it has been classified as a Variant of Uncertain Significance.

Ambry Genetics
Classification: Uncertain significance for Inborn genetic diseases. Last evaluated: 2025-06-06. Review status: criteria provided, single submitter. Criteria: Ambry Variant Classification Scheme 2023. Collection method: clinical testing. Allele origin: germline.

3billion
Classification: Likely benign for Trichohepatoenteric syndrome 2. Last evaluated: 2024-09-20. Review status: criteria provided, single submitter. Criteria: ACMG Guidelines, 2015. Collection method: clinical testing. Allele origin: germline. Affected: no.
Comment: The homozygous variant was found in patients diagnosed with another variant in a different gene, with no symptoms related to the gene containing the homozygous variant.

NM_006929.5(SKIC2):c.3252G>A (p.Met1084Ile)

Gene: SKIC2 (SKI2 subunit of superkiller complex; plus strand). Cytogenetic location: 6p21.33.
Variant type: single nucleotide variant.
Coding change: c.3252G>A on transcript NM_006929.5 (MANE Select); coding-DNA position 3252, G replaced by A.
Protein change: p.Met1084Ile; replaces methionine 1084 with isoleucine.
Molecular consequence: missense variant.
Genome position (GRCh38, 1-based): chr6:31,968,942, G>A. VCF-style: chr6-31968942-G-A. GRCh37 (hg19) VCF-style: chr6-31936719-G-A.
Other names: c.3252G>A (NM_006929.4); short protein forms M1084I.
Identifiers: ClinVar variation 1000909 (VCV001000909.8), dbSNP rs58092713, ClinGen allele CA3730015.